The following is an entry in ClinVar:

NM_001267550.2(TTN):c.27807T>C (p.Ile9269=)

Gene: TTN (titin; minus strand). Cytogenetic location: 2q31.2.
Variant type: single nucleotide variant.
Coding change: c.27807T>C on transcript NM_001267550.2 (MANE Select); coding-DNA position 27807, T replaced by C.
Protein change: p.Ile9269=; no amino-acid change (isoleucine 9269 retained).
Molecular consequence: synonymous variant. On other transcripts: intron variant (3).
Genome position (GRCh38, 1-based): chr2:178,712,023, A>G on the plus strand (T>C on the coding strand, the complement: TTN is on the minus strand). VCF-style: chr2-178712023-A-G. GRCh37 (hg19) VCF-style: chr2-179576750-A-G.
Other names: c.26856T>C, p.Ile8952= (NM_001256850.1); c.24075T>C, p.Ile8025= (NM_133378.4); c.13282+26059T>C (NM_003319.4); c.13858+26059T>C (NM_133437.4); c.13657+26059T>C (NM_133432.3).
Identifiers: ClinVar variation 517070 (VCV000517070.1), dbSNP rs1553890363, ClinGen allele CA430284441.

ClinVar aggregate classification (germline): Likely benign (1 of 4 stars; one submission).

Submission:

GeneDx
Classification: Likely benign. Last evaluated: 2017-06-06. Review status: criteria provided, single submitter. Criteria: GeneDx Variant Classification (06012015). Collection method: clinical testing. Allele origin: germline. Affected: yes.
Comment: This variant is considered likely benign or benign based on one or more of the following criteria: it is a conservative change, it occurs at a poorly conserved position in the protein, it is predicted to be benign by multiple in silico algorithms, and/or has population frequency not consistent with disease.